The following is an entry in ClinVar:

ClinVar aggregate classification (germline): Uncertain significance. Review status: criteria provided, multiple submitters, no conflicts (2 of 4 stars). 2 submissions from 2 submitters: Uncertain significance (2). Last evaluated 2023-04-24.

Conditions:
Brown-Vialetto-van Laere syndrome 1. Also called: BROWN-VIALETTO-VAN LAERE SYNDROME 1, MILD; BULBAR PALSY, PROGRESSIVE, WITH SENSORINEURAL DEAFNESS; PONTOBULBAR PALSY WITH DEAFNESS. Identifiers: Orphanet 572550, Orphanet 97229, MedGen C0796274, MONDO:0024537, OMIM 211530.

Allele frequency attached by ClinVar (database versions not stated): ESP Exome Variant Server 0.00008; gnomAD exomes 0.00001; ExAC 0.00001.
gnomAD v4.1: 2 of 1,614,108 alleles (0.00012%); highest among the groups gnomAD compares: South Asian, 0.0011%; no homozygotes.

Submissions (2):

Labcorp Genetics (formerly Invitae), Labcorp
Classification: Uncertain significance for Brown-Vialetto-van Laere syndrome 1. Last evaluated: 2023-04-24. Review status: criteria provided, single submitter. Criteria: Invitae Variant Classification Sherloc (09022015). Collection method: clinical testing. Allele origin: germline.
Comment: This sequence change replaces alanine, which is neutral and non-polar, with threonine, which is neutral and polar, at codon 337 of the SLC52A3 protein (p.Ala337Thr). This variant is present in population databases (rs139542858, gnomAD 0.003%). This variant has not been reported in the literature in individuals affected with SLC52A3-related conditions. ClinVar contains an entry for this variant (Variation ID: 667327). Advanced modeling of protein sequence and biophysical properties (such as structural, functional, and spatial information, amino acid conservation, physicochemical variation, residue mobility, and thermodynamic stability) has been performed at Invitae for this missense variant, however the output from this modeling did not meet the statistical confidence thresholds required to predict the impact of this variant on SLC52A3 protein function. In summary, the available evidence is currently insufficient to determine the role of this variant in disease. Therefore, it has been classified as a Variant of Uncertain Significance.

Laboratory for Molecular Medicine, Mass General Brigham Personalized Medicine
Classification: Uncertain significance. Last evaluated: 2018-12-23. Review status: criteria provided, single submitter. Criteria: LMM Criteria. Collection method: clinical testing. Allele origin: germline. Observed: 1 variant allele.
Comment: The p.Ala337Thr variant in SLC52A3 has not been previously reported in individua ls with hearing loss or Brown-Vialetto-Van Laere syndrome but has been identifie d in 0.003% (1/30616) of South Asian chromosomes by gnomAD. Computational prediction tools and conservation analysis do not p rovide strong support for or against an impact to the protein. In summary, the c linical significance of this variant is uncertain. ACMG/AMP Criteria applied: PM 2.

NM_033409.4(SLC52A3):c.1009G>A (p.Ala337Thr)

Gene: SLC52A3 (solute carrier family 52 member 3; minus strand). Cytogenetic location: 20p13.
Variant type: single nucleotide variant.
Coding change: c.1009G>A on transcript NM_033409.4 (MANE Select); coding-DNA position 1009, G replaced by A.
Protein change: p.Ala337Thr; replaces alanine 337 with threonine.
Molecular consequence: missense variant.
Genome position (GRCh38, 1-based): chr20:763,562, C>T on the plus strand (G>A on the coding strand, the complement: SLC52A3 is on the minus strand). VCF-style: chr20-763562-C-T. GRCh37 (hg19) VCF-style: chr20-744206-C-T.
Other names: c.1009G>A, p.Ala337Thr (NM_001370085.1, NM_001370086.1); short protein forms A337T.
Identifiers: ClinVar variation 667327 (VCV000667327.8), dbSNP rs139542858, ClinGen allele CA9724632.